The following is an entry in ClinVar:

NM_001110556.2(FLNA):c.2281-7C>T

Gene: FLNA (filamin A; minus strand). Cytogenetic location: Xq28.
Variant type: single nucleotide variant.
Coding change: c.2281-7C>T on transcript NM_001110556.2 (MANE Select); 7 bases into the intron before coding-DNA position 2281, C replaced by T.
Molecular consequence: intron variant.
Genome position (GRCh38, 1-based): chrX:154,362,791, G>A on the plus strand (C>T on the coding strand, the complement: FLNA is on the minus strand). VCF-style: chrX-154362791-G-A. GRCh37 (hg19) VCF-style: chrX-153591159-G-A.
Other names: c.2281-7C>T (NM_001456.4).
Identifiers: ClinVar variation 752396 (VCV000752396.4), dbSNP rs1603361938, ClinGen allele CA915952396.

ClinVar aggregate classification (germline): Conflicting classifications of pathogenicity. Review status: criteria provided, conflicting classifications (1 of 4 stars). 2 submissions from 2 submitters: Uncertain significance (1); Likely benign (1). Last evaluated 2024-12-04.

Submissions (2):

Women's Health and Genetics/Laboratory Corporation of America, LabCorp
Classification: Uncertain significance. Last evaluated: 2024-12-04. Review status: criteria provided, single submitter. Criteria: LabCorp Variant Classification Summary - May 2015. Collection method: clinical testing. Allele origin: germline.
Comment: Variant summary: FLNA c.2281-7C>T alters a non-conserved nucleotide located close to a canonical splice site and therefore could affect mRNA splicing, leading to a significantly altered protein sequence. Consensus agreement among computation tools predict no significant impact on normal splicing. However, these predictions have yet to be confirmed by functional studies. The variant was absent in 146892 control chromosomes. The available data on variant occurrences in the general population are insufficient to allow any conclusion about variant significance. To our knowledge, no occurrence of c.2281-7C>T in individuals affected with Periventricular Nodular Heterotopia 1 and no experimental evidence demonstrating its impact on protein function have been reported. ClinVar contains an entry for this variant (Variation ID: 752396). Based on the evidence outlined above, the variant was classified as uncertain significance.

Labcorp Genetics (formerly Invitae), Labcorp
Classification: Likely benign. Last evaluated: 2018-09-17. Review status: criteria provided, single submitter. Criteria: Invitae Variant Classification Sherloc (09022015). Collection method: clinical testing. Allele origin: germline.